The following is an entry in ClinVar:

ClinVar aggregate classification (germline): Uncertain significance (1 of 4 stars; one submission).

Conditions:
SETD1B-Related Neurodevelopmental Disorder. Identifiers: MedGen CN381058.

Submission:

Clinical Genomics Laboratory, Stanford Medicine
Classification: Uncertain significance for SETD1B-related neurodevelopmental disorder. Last evaluated: 2024-08-14. Review status: criteria provided, single submitter. Criteria: ACMG Guidelines, 2015. Collection method: clinical testing. Allele origin: de novo. Affected: yes. Observed: 1 variant allele, 1 heterozygote.
Comment: This variant was absent from large population databases, including the Genome Aggregation Database. The SETD1B gene has fewer missense variants in the general population than expected. A low rate of missense variation may suggest that this gene is intolerant to missense variation. The proline at position 970 is evolutionarily conserved. Computational tools predict that the p.Pro970Arg variant is neither deleterious nor benign; however, the accuracy of in silico algorithms is limited. These data were assessed using the ACMG/AMP variant interpretation guidelines. In summary, the significance of the p.Pro970Arg variant is uncertain. Additional information is needed to resolve the significance of this variant. [ACMG evidence codes used: PM2; PP2; PS2_Supporting]

NM_001353345.2(SETD1B):c.2909C>G (p.Pro970Arg)

Gene: SETD1B (SET domain containing 1B, histone lysine methyltransferase; plus strand). Cytogenetic location: 12q24.31.
Variant type: single nucleotide variant.
Coding change: c.2909C>G on transcript NM_001353345.2 (MANE Select); coding-DNA position 2909, C replaced by G.
Protein change: p.Pro970Arg; replaces proline 970 with arginine.
Molecular consequence: missense variant.
Genome position (GRCh38, 1-based): chr12:121,817,226, C>G. VCF-style: chr12-121817226-C-G. GRCh37 (hg19) VCF-style: chr12-122255132-C-G.
Other names: short protein forms P970R.
Identifiers: ClinVar variation 3893682 (VCV003893682.1).